The following is an entry in ClinVar:

NM_001292063.2(OTOG):c.2719G>A (p.Ala907Thr)

Gene: OTOG (otogelin; plus strand). Cytogenetic location: 11p15.1.
Variant type: single nucleotide variant.
Coding change: c.2719G>A on transcript NM_001292063.2 (MANE Select); coding-DNA position 2719, G replaced by A.
Protein change: p.Ala907Thr; replaces alanine 907 with threonine.
Molecular consequence: missense variant.
Genome position (GRCh38, 1-based): chr11:17,578,486, G>A. VCF-style: chr11-17578486-G-A. GRCh37 (hg19) VCF-style: chr11-17600033-G-A.
Other names: c.2755G>A, p.Ala919Thr (NM_001277269.2); short protein forms A919T, A907T.
Identifiers: ClinVar variation 226873 (VCV000226873.22), dbSNP rs2355466, ClinGen allele CA5905658.

ClinVar aggregate classification (germline): Benign. Review status: criteria provided, multiple submitters, no conflicts (2 of 4 stars). 8 submissions from 8 submitters: Benign (6). 2 of the submissions do not count toward it. Last evaluated 2026-02-04.

Conditions:
Autosomal recessive nonsyndromic hearing loss 18B. Also called: Deafness, autosomal recessive 18b. Identifiers: Orphanet 90636, MedGen C3554163, MONDO:0013985, OMIM 614945.

Allele frequency attached by ClinVar (database versions not stated): gnomAD 0.32233 and 0.32100; 1000 Genomes Project 30x 0.26905; 1000 Genomes Project 0.27616; TOPMed 0.30600; ExAC 0.35864; gnomAD exomes 0.38062 and 0.32323.
gnomAD v4.1: 575,987 of 1,539,508 alleles (37%); highest among the groups gnomAD compares: Non-Finnish European, 40%; 110,619 homozygotes.

Submissions (8):

Labcorp Genetics (formerly Invitae), Labcorp
Classification: Benign. Last evaluated: 2026-02-04. Review status: criteria provided, single submitter. Criteria: Invitae Variant Classification Sherloc (09022015). Collection method: clinical testing. Allele origin: germline.

Genome-Nilou Lab
Classification: Benign for Autosomal recessive nonsyndromic hearing loss 18B. Last evaluated: 2021-09-05. Review status: criteria provided, single submitter. Criteria: ACMG Guidelines, 2015. Collection method: clinical testing. Allele origin: germline. Affected: no.

Mayo Clinic Laboratories, Mayo Clinic
Classification: Benign. Last evaluated: 2020-10-20. Review status: criteria provided, single submitter. Criteria: ACMG Guidelines, 2015. Collection method: clinical testing. Allele origin: germline. Observed: 96 variant alleles.

GeneDx
Classification: Benign. Last evaluated: 2017-05-09. Review status: criteria provided, single submitter. Criteria: GeneDx Variant Classification (06012015). Collection method: clinical testing. Allele origin: germline. Affected: yes.
Comment: This variant is considered likely benign or benign based on one or more of the following criteria: it is a conservative change, it occurs at a poorly conserved position in the protein, it is predicted to be benign by multiple in silico algorithms, and/or has population frequency not consistent with disease.

Laboratory for Molecular Medicine, Mass General Brigham Personalized Medicine
Classification: Benign. Last evaluated: 2014-11-24. Review status: criteria provided, single submitter. Criteria: LMM Criteria. Collection method: clinical testing. Allele origin: germline. Observed: 544 variant alleles.
Comment: Ala919Thr in exon 22 of OTOG: This variant is not expected to have clinical sign ificance because it has been identified in 42.7% (76/178) of English and Scottis h chromosomes from a broad population by the 1000 Genomes Project (dbSNP rs2355466).

Breakthrough Genomics
Classification: Benign. Review status: criteria provided, single submitter. Criteria: ACMG Guidelines, 2015. Collection method: not provided. Allele origin: germline. Inheritance: Autosomal recessive inheritance. Affected: yes.

Diagnostic Laboratory, Department of Genetics, University Medical Center Groningen
Classification: Benign. Review status: no assertion criteria provided. Collection method: clinical testing. Allele origin: germline. Affected: yes. Study: VKGL Data-share Consensus. Not counted in ClinVar's aggregate classification.

Joint Genome Diagnostic Labs from Nijmegen and Maastricht, Radboudumc and MUMC+
Classification: Benign. Review status: no assertion criteria provided. Collection method: clinical testing. Allele origin: germline. Affected: yes. Study: VKGL Data-share Consensus. Not counted in ClinVar's aggregate classification.